The following is an entry in ClinVar:

NM_000081.4(LYST):c.7340C>T (p.Ala2447Val)

Gene: LYST (lysosomal trafficking regulator; minus strand). Cytogenetic location: 1q42.3.
Variant type: single nucleotide variant.
Coding change: c.7340C>T on transcript NM_000081.4 (MANE Select); coding-DNA position 7340, C replaced by T.
Protein change: p.Ala2447Val; replaces alanine 2447 with valine.
Molecular consequence: missense variant.
Genome position (GRCh38, 1-based): chr1:235,753,164, G>A on the plus strand (C>T on the coding strand, the complement: LYST is on the minus strand). VCF-style: chr1-235753164-G-A. GRCh37 (hg19) VCF-style: chr1-235916464-G-A.
Other names: c.7340C>T, p.Ala2447Val (NM_001301365.1); c.7340C>T (NM_000081.2); short protein forms A2447V.
Identifiers: ClinVar variation 525166 (VCV000525166.4), dbSNP rs766272501, ClinGen allele CA1466159.

ClinVar aggregate classification (germline): Uncertain significance. Review status: criteria provided, multiple submitters, no conflicts (2 of 4 stars). 2 submissions from 2 submitters: Uncertain significance (2). Last evaluated 2022-10-05.

Conditions:
Chédiak-Higashi syndrome (CHS). Also called: Chediak-Higashi Syndrome. Identifiers: Orphanet 167, MedGen C0007965, MONDO:0008963, OMIM 214500.

Allele frequency attached by ClinVar (database versions not stated): ExAC 0.00001; gnomAD 0.00001; gnomAD exomes 0.00001 and 0.00004; TOPMed 0.00001.
gnomAD v4.1: 53 of 1,605,646 alleles (0.0033%); highest among the groups gnomAD compares: Non-Finnish European, 0.0043%; no homozygotes.

Submissions (2):

Labcorp Genetics (formerly Invitae), Labcorp
Classification: Uncertain significance for Chédiak-Higashi syndrome. Last evaluated: 2022-10-05. Review status: criteria provided, single submitter. Criteria: Invitae Variant Classification Sherloc (09022015). Collection method: clinical testing. Allele origin: germline.
Comment: This sequence change replaces alanine, which is neutral and non-polar, with valine, which is neutral and non-polar, at codon 2447 of the LYST protein (p.Ala2447Val). This variant is present in population databases (rs766272501, gnomAD 0.007%). This variant has not been reported in the literature in individuals affected with LYST-related conditions. ClinVar contains an entry for this variant (Variation ID: 525166). Advanced modeling of protein sequence and biophysical properties (such as structural, functional, and spatial information, amino acid conservation, physicochemical variation, residue mobility, and thermodynamic stability) performed at Invitae indicates that this missense variant is not expected to disrupt LYST protein function. In summary, the available evidence is currently insufficient to determine the role of this variant in disease. Therefore, it has been classified as a Variant of Uncertain Significance.

GeneDx
Classification: Uncertain significance. Last evaluated: 2019-09-13. Review status: criteria provided, single submitter. Criteria: GeneDx Variant Classification Process June 2021. Collection method: clinical testing. Allele origin: germline. Affected: yes.
Comment: Not observed at a significant frequency in large population cohorts (Lek et al., 2016); In silico analysis, which includes protein predictors and evolutionary conservation, supports that this variant does not alter protein structure/function; Has not been previously published as pathogenic or benign to our knowledge